The following is an entry in ClinVar:

ClinVar aggregate classification (germline): Likely benign. Review status: criteria provided, multiple submitters, no conflicts (2 of 4 stars). 2 submissions from 2 submitters: Likely benign (2). Last evaluated 2025-09-15.

Conditions:
PKD1-related disorder. Also called: PKD1-related condition.

gnomAD v4.1: 69 of 1,610,938 alleles (0.0043%); highest among the groups gnomAD compares: African/African-American, 0.043%; no homozygotes.

Submissions (2):

PreventionGenetics, part of Exact Sciences
Classification: Likely benign for PKD1-related condition. Last evaluated: 2025-09-15. Review status: criteria provided, single submitter. Criteria: ACMG Guidelines, 2015. Collection method: clinical testing. Allele origin: germline.
Comment: This variant is classified as likely benign based on ACMG/AMP sequence variant interpretation guidelines (Richards et al. 2015 PMID: 25741868, with internal and published modifications).

Blueprint Genetics
Classification: Likely benign. Last evaluated: 2023-11-15. Review status: criteria provided, single submitter. Criteria: ACMG Guidelines, 2015. Collection method: clinical testing. Allele origin: germline.

NM_001009944.3(PKD1):c.4584C>T (p.Ala1528=)

Gene: PKD1 (polycystin 1, transient receptor potential channel interacting; minus strand). Cytogenetic location: 16p13.3.
Variant type: single nucleotide variant.
Coding change: c.4584C>T on transcript NM_001009944.3 (MANE Select); coding-DNA position 4584, C replaced by T.
Protein change: p.Ala1528=; no amino-acid change (alanine 1528 retained).
Molecular consequence: synonymous variant.
Genome position (GRCh38, 1-based): chr16:2,110,583, G>A on the plus strand (C>T on the coding strand, the complement: PKD1 is on the minus strand). VCF-style: chr16-2110583-G-A. GRCh37 (hg19) VCF-style: chr16-2160584-G-A.
Other names: c.4584C>T, p.Ala1528= (NM_000296.4).
Identifiers: ClinVar variation 4927870 (VCV004927870.2).